The following is an entry in ClinVar:

ClinVar aggregate classification (germline): Uncertain significance (1 of 4 stars; one submission).

Conditions:
Mitochondrial hypertrophic cardiomyopathy with lactic acidosis due to MTO1 deficiency. Also called: CARDIOMYOPATHY, INFANTILE HYPERTROPHIC MITOCHONDRIAL, AND LACTIC ACIDOSIS; Combined oxidative phosphorylation deficiency 10. Identifiers: Orphanet 314637, MedGen C4749921, MONDO:0013865, OMIM 614702.

gnomAD v4.1: 23 of 1,614,010 alleles (0.0014%); highest among the groups gnomAD compares: African/African-American, 0.023%; 1 homozygote.

Submission:

Labcorp Genetics (formerly Invitae), Labcorp
Classification: Uncertain significance for Mitochondrial hypertrophic cardiomyopathy with lactic acidosis due to MTO1 deficiency. Last evaluated: 2022-09-20. Review status: criteria provided, single submitter. Criteria: Invitae Variant Classification Sherloc (09022015). Collection method: clinical testing. Allele origin: germline.
Comment: In summary, the available evidence is currently insufficient to determine the role of this variant in disease. Therefore, it has been classified as a Variant of Uncertain Significance. Advanced modeling of protein sequence and biophysical properties (such as structural, functional, and spatial information, amino acid conservation, physicochemical variation, residue mobility, and thermodynamic stability) performed at Invitae indicates that this missense variant is not expected to disrupt MTO1 protein function. ClinVar contains an entry for this variant (Variation ID: 1051937). This variant has not been reported in the literature in individuals affected with MTO1-related conditions. This variant is not present in population databases (gnomAD no frequency). This sequence change replaces lysine, which is basic and polar, with glutamic acid, which is acidic and polar, at codon 563 of the MTO1 protein (p.Lys563Glu).

NM_012123.4(MTO1):c.1687A>G (p.Lys563Glu)

Gene: MTO1 (mitochondrial tRNA translation optimization 1; plus strand). Cytogenetic location: 6q13.
Variant type: single nucleotide variant.
Coding change: c.1687A>G on transcript NM_012123.4 (MANE Select); coding-DNA position 1687, A replaced by G.
Protein change: p.Lys563Glu; replaces lysine 563 with glutamic acid.
Molecular consequence: missense variant.
Genome position (GRCh38, 1-based): chr6:73,492,283, A>G. VCF-style: chr6-73492283-A-G. GRCh37 (hg19) VCF-style: chr6-74202006-A-G.
Other names: c.1807A>G, p.Lys603Glu (NM_001123226.2); c.1762A>G, p.Lys588Glu (NM_133645.3); short protein forms K563E, K588E, K603E.
Identifiers: ClinVar variation 1051937 (VCV001051937.8), dbSNP rs577810557, ClinGen allele CA140927786.